The following is an entry in ClinVar:

ClinVar aggregate classification (germline): Uncertain significance (1 of 4 stars; one submission).

Allele frequency attached by ClinVar (database versions not stated): gnomAD exomes 0.00001; TOPMed 0.00001.
gnomAD v4.1: 3 of 1,551,628 alleles (0.00019%); highest among the groups gnomAD compares: East Asian, 0.0073%; no homozygotes.

Submission:

Labcorp Genetics (formerly Invitae), Labcorp
Classification: Uncertain significance. Last evaluated: 2024-10-25. Review status: criteria provided, single submitter. Criteria: Invitae Variant Classification Sherloc (09022015). Collection method: clinical testing. Allele origin: germline.
Comment: This sequence change replaces leucine, which is neutral and non-polar, with proline, which is neutral and non-polar, at codon 3219 of the CDH23 protein (p.Leu3219Pro). This variant is present in population databases (no rsID available, gnomAD 0.01%). This variant has not been reported in the literature in individuals affected with CDH23-related conditions. ClinVar contains an entry for this variant (Variation ID: 1980009). Invitae Evidence Modeling of protein sequence and biophysical properties (such as structural, functional, and spatial information, amino acid conservation, physicochemical variation, residue mobility, and thermodynamic stability) has been performed for this missense variant. However, the output from this modeling did not meet the statistical confidence thresholds required to predict the impact of this variant on CDH23 protein function. In summary, the available evidence is currently insufficient to determine the role of this variant in disease. Therefore, it has been classified as a Variant of Uncertain Significance.

NM_022124.6(CDH23):c.9656T>C (p.Leu3219Pro)

Gene: CDH23 (cadherin related 23; plus strand). Cytogenetic location: 10q22.1.
Variant type: single nucleotide variant.
Coding change: c.9656T>C on transcript NM_022124.6 (MANE Select); coding-DNA position 9656, T replaced by C.
Protein change: p.Leu3219Pro; replaces leucine 3219 with proline.
Molecular consequence: missense variant. On other transcripts: intron variant (2).
Genome position (GRCh38, 1-based): chr10:71,813,266, T>C. VCF-style: chr10-71813266-T-C. GRCh37 (hg19) VCF-style: chr10-73573023-T-C.
Other names: c.2936T>C, p.Leu979Pro (NM_001171933.1); c.347T>C, p.Leu116Pro (NM_001171935.1); c.2913+376T>C (NM_001171934.1); c.324+376T>C (NM_001171936.1); short protein forms L116P, L979P, L3219P.
Identifiers: ClinVar variation 1980009 (VCV001980009.3), dbSNP rs1376677732, ClinGen allele CA377137244.